The following is an entry in ClinVar:

ClinVar aggregate classification (germline): Uncertain significance (1 of 4 stars; one submission).

Submission:

GeneDx
Classification: Uncertain significance. Last evaluated: 2024-11-18. Review status: criteria provided, single submitter. Criteria: GeneDx Variant Classification Process June 2021. Collection method: clinical testing. Allele origin: germline. Affected: yes.
Comment: Not observed at significant frequency in large population cohorts (gnomAD); In silico analysis supports that this missense variant has a deleterious effect on protein structure/function; Has not been previously published as pathogenic or benign to our knowledge

NM_144973.4(DENND5B):c.710C>A (p.Pro237His)

Gene: DENND5B (DENN domain containing 5B; minus strand). Cytogenetic location: 12p11.21.
Variant type: single nucleotide variant.
Coding change: c.710C>A on transcript NM_144973.4 (MANE Select); coding-DNA position 710, C replaced by A.
Protein change: p.Pro237His; replaces proline 237 with histidine.
Molecular consequence: missense variant. On other transcripts: intron variant (1).
Genome position (GRCh38, 1-based): chr12:31,479,783, G>T on the plus strand (C>A on the coding strand, the complement: DENND5B is on the minus strand). VCF-style: chr12-31479783-G-T. GRCh37 (hg19) VCF-style: chr12-31632717-G-T.
Other names: c.373+337C>A (NM_001366891.1); c.815C>A, p.Pro272His (NM_001308339.2); c.776C>A, p.Pro259His (NM_001366890.1, NM_001366893.1); c.710C>A, p.Pro237His (NM_001366892.1); short protein forms P237H, P259H, P272H.
Identifiers: ClinVar variation 3899435 (VCV003899435.1).